The following is an entry in ClinVar:

ClinVar aggregate classification (germline): Likely benign (1 of 4 stars; one submission).

Submission:

CeGaT Center for Human Genetics Tuebingen
Classification: Likely benign. Last evaluated: 2026-01-01. Review status: criteria provided, single submitter. Criteria: CeGaT Center For Human Genetics Tuebingen Variant Classification Criteria Version 2. Collection method: clinical testing. Allele origin: germline. Affected: yes. Observed: 1 variant allele.
Comment: ZSCAN5C: PM2:Supporting, BP4, BP7

NM_001358413.3(ZSCAN5C):c.1035C>G (p.Pro345=)

Gene: ZSCAN5C (zinc finger and SCAN domain containing 5C; plus strand). Cytogenetic location: 19q13.43.
Variant type: single nucleotide variant.
Coding change: c.1035C>G on transcript NM_001358413.3 (MANE Select); coding-DNA position 1035, C replaced by G.
Protein change: p.Pro345=; no amino-acid change (proline 345 retained).
Molecular consequence: synonymous variant.
Genome position (GRCh38, 1-based): chr19:56,208,744, C>G. VCF-style: chr19-56208744-C-G. GRCh37 (hg19) VCF-style: chr19-56720113-C-G.
Identifiers: ClinVar variation 4821117 (VCV004821117.4).